The following is an entry in ClinVar:

ClinVar aggregate classification (germline): Uncertain significance. Review status: criteria provided, multiple submitters, no conflicts (2 of 4 stars). 2 submissions from 2 submitters: Uncertain significance (2). Last evaluated 2024-09-06.

Conditions:
Immunodeficiency, common variable, 10. Also called: IMMUNODEFICIENCY, COMMON VARIABLE, WITH CENTRAL ADRENAL INSUFFICIENCY; DEFICIT IN ANTERIOR PITUITARY FUNCTION AND VARIABLE IMMUNODEFICIENCY. Identifiers: MedGen C3809991, MONDO:0014260, OMIM 615577.

Allele frequency attached by ClinVar (database versions not stated): gnomAD exomes below 0.00001.
gnomAD v4.1: 1 of 1,611,130 alleles (0.000062%); highest among the groups gnomAD compares: East Asian, 0.0022%; no homozygotes.

Submissions (2):

Labcorp Genetics (formerly Invitae), Labcorp
Classification: Uncertain significance for Immunodeficiency, common variable, 10. Last evaluated: 2024-09-06. Review status: criteria provided, single submitter. Criteria: Invitae Variant Classification Sherloc (09022015). Collection method: clinical testing. Allele origin: germline.
Comment: This sequence change replaces serine, which is neutral and polar, with asparagine, which is neutral and polar, at codon 820 of the NFKB2 protein (p.Ser820Asn). This variant is not present in population databases (gnomAD no frequency). This variant has not been reported in the literature in individuals affected with NFKB2-related conditions. ClinVar contains an entry for this variant (Variation ID: 846887). An algorithm developed to predict the effect of missense changes on protein structure and function (PolyPhen-2) suggests that this variant is likely to be disruptive. In summary, the available evidence is currently insufficient to determine the role of this variant in disease. Therefore, it has been classified as a Variant of Uncertain Significance.

Blueprint Genetics
Classification: Uncertain significance. Last evaluated: 2023-01-13. Review status: criteria provided, single submitter. Criteria: ACMG Guidelines, 2015. Collection method: clinical testing. Allele origin: germline.

NM_001322934.2(NFKB2):c.2459G>A (p.Ser820Asn)

Gene: NFKB2 (nuclear factor kappa B subunit 2; plus strand). Cytogenetic location: 10q24.32.
Variant type: single nucleotide variant.
Coding change: c.2459G>A on transcript NM_001322934.2 (MANE Select); coding-DNA position 2459, G replaced by A.
Protein change: p.Ser820Asn; replaces serine 820 with asparagine.
Molecular consequence: missense variant.
Genome position (GRCh38, 1-based): chr10:102,401,910, G>A. VCF-style: chr10-102401910-G-A. GRCh37 (hg19) VCF-style: chr10-104161667-G-A.
Other names: c.2459G>A, p.Ser820Asn (NM_001077494.3, NM_001261403.3, NM_001288724.1 and 1 more transcripts); c.2333G>A, p.Ser778Asn (NM_001322935.1); short protein forms S820N, S778N.
Identifiers: ClinVar variation 846887 (VCV000846887.10), dbSNP rs2061262864, ClinGen allele CA377905869.